The following is an entry in ClinVar:

ClinVar aggregate classification (germline): Conflicting classifications of pathogenicity. Review status: criteria provided, conflicting classifications (1 of 4 stars). 7 submissions from 7 submitters: Uncertain significance (5); Likely benign (2). Last evaluated 2025-06-27.

Conditions:
Neurofibromatosis, type 1 (NF1). Also called: VON RECKLINGHAUSEN DISEASE; NEUROFIBROMATOSIS, TYPE I, SOMATIC; Peripheral type neurofibromatosis; Neurofibromatosis, type I. Identifiers: Orphanet 636, MedGen C0027831, MONDO:0018975, OMIM 162200. Disease mechanism: loss of function.
Cardiovascular phenotype. Identifiers: MedGen CN230736.
Hereditary cancer-predisposing syndrome. Also called: Hereditary Cancer Syndrome; Hereditary neoplastic syndrome; Tumor predisposition; Neoplastic Syndromes, Hereditary. Identifiers: Orphanet 140162, MedGen C0027672, MeSH D009386, MONDO:0015356.
Café-au-lait macules with pulmonary stenosis (WTSN). Also called: PULMONIC STENOSIS WITH CAFE-AU-LAIT SPOTS. Identifiers: MedGen C0553586, MONDO:0008672, OMIM 193520.
Juvenile myelomonocytic leukemia (JMML). Also called: LEUKEMIA, JUVENILE MYELOMONOCYTIC, SOMATIC. Identifiers: Orphanet 86834, MedGen C0349639, MONDO:0011908, OMIM 607785, HP:0012209.
Neurofibromatosis-Noonan syndrome (NFNS). Also called: NEUROFIBROMATOSIS WITH NOONAN PHENOTYPE. Identifiers: Orphanet 638, MedGen C2931482, MONDO:0011035, OMIM 601321. Disease mechanism: loss of function.
Neurofibromatosis, familial spinal (FSNF). Identifiers: Orphanet 636, MedGen C1834235, MONDO:0008078, OMIM 162210. Disease mechanism: loss of function.

Allele frequency attached by ClinVar (database versions not stated): gnomAD 0.00002; TOPMed 0.00002.
gnomAD v4.1: 3 of 1,614,006 alleles (0.00019%); highest among the groups gnomAD compares: African/African-American, 0.004%; no homozygotes.

Submissions (7):

Labcorp Genetics (formerly Invitae), Labcorp
Classification: Likely benign for Neurofibromatosis, type 1. Last evaluated: 2025-06-27. Review status: criteria provided, single submitter. Criteria: Invitae Variant Classification Sherloc (09022015). Collection method: clinical testing. Allele origin: germline.

GeneDx
Classification: Uncertain significance. Last evaluated: 2024-03-05. Review status: criteria provided, single submitter. Criteria: GeneDx Variant Classification Process June 2021. Collection method: clinical testing. Allele origin: germline. Affected: yes.
Comment: In silico analysis supports that this missense variant does not alter protein structure/function; Has not been previously published as pathogenic or benign to our knowledge; This variant is associated with the following publications: (PMID: 25486365)

Ambry Genetics
Classification: Likely benign for Cardiovascular phenotype; Hereditary cancer-predisposing syndrome. Last evaluated: 2023-12-09. Review status: criteria provided, single submitter. Criteria: Ambry Variant Classification Scheme 2023. Collection method: clinical testing. Allele origin: germline.

Genome-Nilou Lab
Classification: Uncertain significance for Neurofibromatosis, type 1. Last evaluated: 2022-03-15. Review status: criteria provided, single submitter. Criteria: ACMG Guidelines, 2015. Collection method: clinical testing. Allele origin: germline. Affected: no.

Fulgent Genetics
Classification: Uncertain significance for Neurofibromatosis, type 1; Neurofibromatosis, familial spinal; Café-au-lait macules with pulmonary stenosis; Neurofibromatosis-Noonan syndrome; Juvenile myelomonocytic leukemia. Last evaluated: 2022-01-27. Review status: criteria provided, single submitter. Criteria: ACMG Guidelines, 2015. Collection method: clinical testing. Allele origin: unknown.

St. Jude Molecular Pathology, St. Jude Children's Research Hospital
Classification: Uncertain significance for Neurofibromatosis, type 1. Last evaluated: 2021-12-21. Review status: criteria provided, single submitter. Criteria: St. Jude Assertion Criteria 2020. Collection method: clinical testing. Allele origin: germline.
Comment: The NF1 c.8393G>A (p.Ser2798Asn) missense change has a maximum subpopulation frequency of 0.011% in gnomAD v2.1.1 (PM2_supporitng). In silico tools are not in agreement about the effect of this variant on protein function, but to our knowledge these predictions have not been confirmed by functional assays. This variant occurs in a gene where missense variants are more likely to be damaging based on methods described by Lek et al. (PP2; PMID: 27535533). To our knowledge, this variant has not been reported in individuals with Neurofibromatosis type 1. In summary, this variant meets criteria to be classified as of uncertain significance based on the ACMG/AMP criteria: PM2_supporting, PP2.

PreventionGenetics, part of Exact Sciences
Classification: Uncertain significance. Last evaluated: 2017-06-07. Review status: criteria provided, single submitter. Criteria: ACMG Guidelines, 2015. Collection method: clinical testing. Allele origin: germline.

NM_001042492.3(NF1):c.8456G>A (p.Ser2819Asn)

Gene: NF1 (neurofibromin 1; plus strand). Cytogenetic location: 17q11.2.
Variant type: single nucleotide variant.
Coding change: c.8456G>A on transcript NM_001042492.3 (MANE Select); coding-DNA position 8456, G replaced by A.
Protein change: p.Ser2819Asn; replaces serine 2819 with asparagine.
Molecular consequence: missense variant.
Genome position (GRCh38, 1-based): chr17:31,374,091, G>A. VCF-style: chr17-31374091-G-A. GRCh37 (hg19) VCF-style: chr17-29701109-G-A.
Other names: c.8393G>A, p.Ser2798Asn (NM_000267.4); short protein forms S2798N, S2819N.
Identifiers: ClinVar variation 457872 (VCV000457872.20), dbSNP rs934837854, ClinGen allele CA289712495.